The following is an entry in ClinVar:

NM_000321.3(RB1):c.1089T>A (p.Asp363Glu)

Gene: RB1 (RB transcriptional corepressor 1; plus strand). Cytogenetic location: 13q14.2.
Variant type: single nucleotide variant.
Coding change: c.1089T>A on transcript NM_000321.3 (MANE Select); coding-DNA position 1089, T replaced by A.
Protein change: p.Asp363Glu; replaces aspartic acid 363 with glutamic acid.
Molecular consequence: missense variant.
Genome position (GRCh38, 1-based): chr13:48,368,566, T>A. VCF-style: chr13-48368566-T-A. GRCh37 (hg19) VCF-style: chr13-48942702-T-A.
Other names: c.1089T>A, p.Asp363Glu (NM_001407165.1, NM_001407166.1); short protein forms D363E.
Identifiers: ClinVar variation 3387566 (VCV003387566.2).

ClinVar aggregate classification (germline): Uncertain significance. Review status: criteria provided, multiple submitters, no conflicts (2 of 4 stars). 2 submissions from 2 submitters: Uncertain significance (2). Last evaluated 2026-07-07.

Conditions:
Retinoblastoma (RB1). Also called: RETINOBLASTOMA, SOMATIC. Identifiers: Orphanet 790, MedGen C0035335, MeSH D012175, MONDO:0008380, OMIM 180200, HP:0009919. Disease mechanism: loss of function. Inheritance: Both sporadic and heritable forms are tested..
Hereditary cancer-predisposing syndrome. Also called: Tumor predisposition; Hereditary Cancer Syndrome; Hereditary neoplastic syndrome; Neoplastic Syndromes, Hereditary. Identifiers: Orphanet 140162, MedGen C0027672, MeSH D009386, MONDO:0015356.

Submissions (2):

Ambry Genetics
Classification: Uncertain significance for Hereditary cancer-predisposing syndrome. Last evaluated: 2026-07-07. Review status: criteria provided, single submitter. Criteria: Ambry Variant Classification Scheme 2023. Collection method: clinical testing. Allele origin: germline.
Comment: The p.D363E variant (also known as c.1089T>A), located in coding exon 11 of the RB1 gene, results from a T to A substitution at nucleotide position 1089. The aspartic acid at codon 363 is replaced by glutamic acid, an amino acid with highly similar properties. This amino acid position is conserved. In addition, this alteration is predicted to be tolerated by in silico analysis. Based on the available evidence, the clinical significance of this variant remains unclear.

All of Us Research Program, National Institutes of Health
Classification: Uncertain significance for Retinoblastoma. Last evaluated: 2024-03-05. Review status: criteria provided, single submitter. Criteria: ACMG Guidelines, 2015. Collection method: clinical testing. Allele origin: germline. Inheritance: Autosomal dominant inheritance. Observed: 1 variant allele, 1 heterozygote.
Comment: This study involves interpretation of variants in research participants for the purpose of population health screening. Participant phenotype was not available at the time of variant classification. Additional details can be found in publication PMID: 35346344, PMCID: PMC8962531